The following is an entry in ClinVar:

ClinVar aggregate classification (germline): Pathogenic. Review status: criteria provided, multiple submitters, no conflicts (2 of 4 stars). 2 submissions from 2 submitters: Pathogenic (2). Last evaluated 2023-05-08.

Conditions:
Hereditary cancer-predisposing syndrome. Also called: Neoplastic Syndromes, Hereditary; Hereditary Cancer Syndrome; Hereditary neoplastic syndrome; Tumor predisposition. Identifiers: Orphanet 140162, MedGen C0027672, MeSH D009386, MONDO:0015356.

Submissions (2):

Ambry Genetics
Classification: Pathogenic for Hereditary cancer-predisposing syndrome. Last evaluated: 2023-05-08. Review status: criteria provided, single submitter. Criteria: Ambry Variant Classification Scheme 2023. Collection method: clinical testing. Allele origin: germline.
Comment: The c.754_758dupCGTCA pathogenic mutation, located in coding exon 9 of the BAP1 gene, results from a duplication of CGTCA at nucleotide position 754, causing a translational frameshift with a predicted alternate stop codon (p.Q253Hfs*6). This variant is considered to be rare based on population cohorts in the Genome Aggregation Database (gnomAD). This alteration is expected to result in loss of function by premature protein truncation or nonsense-mediated mRNA decay. As such, this alteration is interpreted as a disease-causing mutation.

Quest Diagnostics Nichols Institute San Juan Capistrano
Classification: Pathogenic. Last evaluated: 2023-01-05. Review status: criteria provided, single submitter. Criteria: Quest Diagnostics criteria. Collection method: clinical testing. Allele origin: unknown.
Comment: This frameshift variant alters the translational reading frame of the BAP1 mRNA and causes the premature termination of BAP1 protein synthesis. To the best of our knowledge, the variant has not been reported in online databases or the published literature. It also has not been reported in large, multi-ethnic general populations. Based on the available information, this variant is classified as pathogenic.

NM_004656.4(BAP1):c.754_758dup (p.Gln253fs)

Gene: BAP1 (BRCA1 associated deubiquitinase 1; minus strand). Cytogenetic location: 3p21.1.
Variant type: Duplication.
Coding change: c.754_758dup on transcript NM_004656.4 (MANE Select); coding-DNA positions 754 to 758, 5 bases duplicated (CGTCA; older notation c.754_758dupCGTCA).
Protein change: p.Gln253fs; shifts the reading frame from glutamine 253.
Molecular consequence: frameshift variant.
Genome position (GRCh38, 1-based): chr3:52,406,278-52,406,282, TGACG duplicated on the plus strand (CGTCA on the coding strand, the reverse complement: BAP1 is on the minus strand). VCF-style (leftmost placement, unchanged base first): chr3-52406277-C-CTGACG. GRCh37 (hg19) VCF-style: chr3-52440293-C-CTGACG.
Other names: c.700_704dup, p.Gln235fs (NM_001410772.1); c.754_758dupCGTCA (NM_004656.2); c.754_758dup (NM_004656.3); short protein forms Q235fs, Q253fs.
Identifiers: ClinVar variation 2565173 (VCV002565173.3), dbSNP rs2471343300, ClinGen allele CA2580616477.
Genomic context (GRCh38, chr3:52,406,277, plus strand): 5'-TGGGCTGGGCAGAGGCCAGGAAGAAAGGGCACCTACCTGCTGCAGAGCCTCTAGTACTGT[C>CTGACG]TGACGGTTCACCTTCAGCACATGCAGCCTGGCCTCATACTTGATCCTGCGGTCGGGCACC-3'